The following is an entry in ClinVar:

ClinVar aggregate classification (germline): Benign/Likely benign. Review status: criteria provided, multiple submitters, no conflicts (2 of 4 stars). 4 submissions from 4 submitters: Benign (1); Likely benign (3). Last evaluated 2024-05-24.

Conditions:
Hereditary cancer-predisposing syndrome. Also called: Neoplastic Syndromes, Hereditary; Hereditary Cancer Syndrome; Tumor predisposition; Hereditary neoplastic syndrome. Identifiers: Orphanet 140162, MedGen C0027672, MeSH D009386, MONDO:0015356.
Familial cancer of breast. Also called: Hereditary breast cancer; BREAST CANCER, FAMILIAL; hereditary breast carcinoma. Identifiers: Orphanet 227535, MedGen C0346153, MONDO:0016419, OMIM 114480. Disease mechanism: loss of function.
Ataxia-telangiectasia syndrome (AT). Also called: LOUIS-BAR SYNDROME; Cerebello-oculocutaneous telangiectasia; Immunodeficiency with ataxia telangiectasia; Ataxia-telangiectasia, complementation group D; AT, COMPLEMENTATION GROUP C; Ataxia-telangiectasia, complementation group E. Identifiers: Orphanet 100, MedGen C0004135, MONDO:0008840, OMIM 208900.

Submissions (4):

Myriad Genetics, Inc.
Classification: Benign for Familial cancer of breast. Last evaluated: 2024-05-24. Review status: criteria provided, single submitter. Criteria: Myriad Autosomal Dominant, Autosomal Recessive and X-Linked Classification Criteria (2023). Collection method: clinical testing. Allele origin: unknown.
Comment: This variant is considered benign. This variant is a silent/synonymous amino acid change and it is not expected to impact splicing.

Labcorp Genetics (formerly Invitae), Labcorp
Classification: Likely benign for Ataxia-telangiectasia syndrome. Last evaluated: 2024-02-03. Review status: criteria provided, single submitter. Criteria: Invitae Variant Classification Sherloc (09022015). Collection method: clinical testing. Allele origin: germline.

Color Diagnostics, LLC DBA Color Health
Classification: Likely benign for Hereditary cancer-predisposing syndrome. Last evaluated: 2017-11-15. Review status: criteria provided, single submitter. Criteria: ACMG Guidelines, 2015. Collection method: clinical testing. Allele origin: germline.

Ambry Genetics
Classification: Likely benign for Hereditary cancer-predisposing syndrome. Last evaluated: 2016-12-21. Review status: criteria provided, single submitter. Criteria: Ambry Variant Classification Scheme 2023. Collection method: clinical testing. Allele origin: germline.

NM_000051.4(ATM):c.5790T>C (p.Asp1930=)

Genes: ATM (ATM serine/threonine kinase; plus strand), C11orf65 (chromosome 11 open reading frame 65; minus strand). Cytogenetic location: 11q22.3.
Variant type: single nucleotide variant.
Coding change: c.5790T>C on transcript NM_000051.4 (MANE Select); coding-DNA position 5790, T replaced by C.
Protein change: p.Asp1930=; no amino-acid change (aspartic acid 1930 retained).
Molecular consequence: synonymous variant. On other transcripts: intron variant (2).
Genome position (GRCh38, 1-based): chr11:108,310,187, T>C. VCF-style: chr11-108310187-T-C. GRCh37 (hg19) VCF-style: chr11-108180914-T-C.
Other names: c.5790T>C, p.Asp1930= (NM_001351834.2); c.641-1116A>G (NM_001330368.2); c.*39-1116A>G (NM_001351110.2).
Identifiers: ClinVar variation 482669 (VCV000482669.16), dbSNP rs1555110279, ClinGen allele CA476675448.